The following is an entry in ClinVar:

NM_000037.4(ANK1):c.1169dup (p.Leu391fs)

Gene: ANK1 (ankyrin 1; minus strand). Cytogenetic location: 8p11.21.
Variant type: Duplication.
Coding change: c.1169dup on transcript NM_000037.4 (MANE Select); coding-DNA position 1169, one base duplicated (T; older notation c.1169dupT).
Protein change: p.Leu391fs; shifts the reading frame from leucine 391.
Molecular consequence: frameshift variant.
Genome position (GRCh38, 1-based): chr8:41,718,143, A duplicated on the plus strand (T on the coding strand, the reverse complement: ANK1 is on the minus strand). VCF-style (leftmost placement, unchanged base first): chr8-41718142-C-CA. GRCh37 (hg19) VCF-style: chr8-41575660-C-CA.
Other names: c.1268dup, p.Leu424fs (NM_001142446.2); c.1169dup, p.Leu391fs (NM_020475.3, NM_020476.3, NM_020477.3); short protein forms L391fs, L424fs.
Identifiers: ClinVar variation 4733244 (VCV004733244.1).

ClinVar aggregate classification (germline): Pathogenic (1 of 4 stars; one submission).

Submission:

Labcorp Genetics (formerly Invitae), Labcorp
Classification: Pathogenic. Last evaluated: 2025-12-15. Review status: criteria provided, single submitter. Criteria: Invitae Variant Classification Sherloc (09022015). Collection method: clinical testing. Allele origin: germline.
Comment: This sequence change creates a premature translational stop signal (p.Leu391Alafs*80) in the ANK1 gene. It is expected to result in an absent or disrupted protein product. Loss-of-function variants in ANK1 are known to be pathogenic (PMID: 8640229). This variant is not present in population databases (gnomAD no frequency). This variant has not been reported in the literature in individuals affected with ANK1-related conditions. For these reasons, this variant has been classified as Pathogenic.

Literature cited by the submitters: PubMed 8640229.